The following is an entry in ClinVar:

ClinVar aggregate classification (germline): Uncertain significance (1 of 4 stars; one submission).

Submission:

GeneDx
Classification: Uncertain significance. Last evaluated: 2026-04-17. Review status: criteria provided, single submitter. Criteria: GeneDx Variant Classification Process June 2021. Collection method: clinical testing. Allele origin: germline.
Comment: Not observed at significant frequency in large population cohorts (gnomAD); In silico analysis supports that this missense variant has a deleterious effect on protein structure/function; Has not been previously published as pathogenic or benign to our knowledge

NM_013245.3(VPS4A):c.722G>C (p.Ser241Thr)

Gene: VPS4A (vacuolar protein sorting 4 homolog A; plus strand). Cytogenetic location: 16q22.1.
Variant type: single nucleotide variant.
Coding change: c.722G>C on transcript NM_013245.3 (MANE Select); coding-DNA position 722, G replaced by C.
Protein change: p.Ser241Thr; replaces serine 241 with threonine.
Molecular consequence: missense variant.
Genome position (GRCh38, 1-based): chr16:69,320,242, G>C. VCF-style: chr16-69320242-G-C. GRCh37 (hg19) VCF-style: chr16-69354145-G-C.
Other names: short protein forms S241T.
Identifiers: ClinVar variation 5037377 (VCV005037377.1).